The following is an entry in ClinVar:

ClinVar aggregate classification (germline): Uncertain significance. Review status: criteria provided, multiple submitters, no conflicts (2 of 4 stars). 2 submissions from 2 submitters: Uncertain significance (2). Last evaluated 2026-06-21.

Conditions:
Primary ciliary dyskinesia. Also called: Ciliary dyskinesia. Identifiers: Orphanet 244, MedGen C0008780, MONDO:0016575, HP:0012265.

Allele frequency attached by ClinVar (database versions not stated): gnomAD 0.00001 and 0.00003; ExAC 0.00002; 1000 Genomes Project 30x 0.00031; gnomAD exomes 0.00002; TOPMed 0.00002; 1000 Genomes Project 0.00040.
gnomAD v4.1: 14 of 1,612,000 alleles (0.00087%); highest among the groups gnomAD compares: Middle Eastern, 0.017%; no homozygotes.

Submissions (2):

Ambry Genetics
Classification: Uncertain significance for Primary ciliary dyskinesia. Last evaluated: 2026-06-21. Review status: criteria provided, single submitter. Criteria: Ambry Variant Classification Scheme 2023. Collection method: clinical testing. Allele origin: germline.
Comment: The p.P464S variant (also known as c.1390C>T), located in coding exon 8 of the DNAAF1 gene, results from a C to T substitution at nucleotide position 1390. The proline at codon 464 is replaced by serine, an amino acid with similar properties. This amino acid position is conserved. In addition, this alteration is predicted to be tolerated by in silico analysis. Based on the available evidence, the clinical significance of this variant remains unclear.

Labcorp Genetics (formerly Invitae), Labcorp
Classification: Uncertain significance for Primary ciliary dyskinesia. Last evaluated: 2021-08-24. Review status: criteria provided, single submitter. Criteria: Invitae Variant Classification Sherloc (09022015). Collection method: clinical testing. Allele origin: germline.
Comment: This sequence change replaces proline with serine at codon 464 of the DNAAF1 protein (p.Pro464Ser). The proline residue is weakly conserved and there is a moderate physicochemical difference between proline and serine. This variant is present in population databases (rs566279701, ExAC 0.01%). This variant has not been reported in the literature in individuals affected with DNAAF1-related conditions. Algorithms developed to predict the effect of missense changes on protein structure and function (SIFT, PolyPhen-2, Align-GVGD) all suggest that this variant is likely to be tolerated. In summary, the available evidence is currently insufficient to determine the role of this variant in disease. Therefore, it has been classified as a Variant of Uncertain Significance.

NM_178452.6(DNAAF1):c.1390C>T (p.Pro464Ser)

Gene: DNAAF1 (dynein axonemal assembly factor 1; plus strand). Cytogenetic location: 16q24.1.
Variant type: single nucleotide variant.
Coding change: c.1390C>T on transcript NM_178452.6 (MANE Select); coding-DNA position 1390, C replaced by T.
Protein change: p.Pro464Ser; replaces proline 464 with serine.
Molecular consequence: missense variant.
Genome position (GRCh38, 1-based): chr16:84,170,218, C>T. VCF-style: chr16-84170218-C-T. GRCh37 (hg19) VCF-style: chr16-84203824-C-T.
Other names: c.682C>T, p.Pro228Ser (NM_001318756.1); short protein forms P464S, P228S.
Identifiers: ClinVar variation 410283 (VCV000410283.8), dbSNP rs566279701, ClinGen allele CA8202845.